The following is an entry in ClinVar:

ClinVar aggregate classification (germline): Likely benign. Review status: criteria provided, multiple submitters, no conflicts (2 of 4 stars). 2 submissions from 2 submitters: Likely benign (2). Last evaluated 2025-08-22.

Allele frequency attached by ClinVar (database versions not stated): gnomAD exomes below 0.00001; gnomAD 0.00001 and 0.00002; TOPMed 0.00002.
gnomAD v4.1: 6 of 1,600,584 alleles (0.00037%); highest among the groups gnomAD compares: African/African-American, 0.0054%; no homozygotes.

Submissions (2):

Labcorp Genetics (formerly Invitae), Labcorp
Classification: Likely benign. Last evaluated: 2025-08-22. Review status: criteria provided, single submitter. Criteria: Invitae Variant Classification Sherloc (09022015). Collection method: clinical testing. Allele origin: germline.

GeneDx
Classification: Likely benign. Last evaluated: 2015-12-28. Review status: criteria provided, single submitter. Criteria: GeneDx Variant Classification (06012015). Collection method: clinical testing. Allele origin: germline. Affected: yes.
Comment: This variant is considered likely benign or benign based on one or more of the following criteria: it is a conservative change, it occurs at a poorly conserved position in the protein, it is predicted to be benign by multiple in silico algorithms, and/or has population frequency not consistent with disease.

NM_006231.4(POLE):c.1687-17T>C

Gene: POLE (DNA polymerase epsilon, catalytic subunit; minus strand). Cytogenetic location: 12q24.33.
Variant type: single nucleotide variant.
Coding change: c.1687-17T>C on transcript NM_006231.4 (MANE Select); 17 bases into the intron before coding-DNA position 1687, T replaced by C.
Molecular consequence: intron variant.
Genome position (GRCh38, 1-based): chr12:132,672,339, A>G on the plus strand (T>C on the coding strand, the complement: POLE is on the minus strand). VCF-style: chr12-132672339-A-G. GRCh37 (hg19) VCF-style: chr12-133248925-A-G.
Identifiers: ClinVar variation 382555 (VCV000382555.8), dbSNP rs1026163395, ClinGen allele CA16606450.